The following is an entry in ClinVar:

ClinVar aggregate classification (germline): Pathogenic. Review status: reviewed by expert panel (3 of 4 stars). 7 submissions from 7 submitters: Pathogenic (1). 6 of the submissions do not count toward it. Last evaluated 2016-09-08.

Conditions:
Hereditary breast ovarian cancer syndrome. Also called: Hereditary breast and ovarian cancer syndrome; Hereditary breast and ovarian cancer syndrome (HBOC); BRCA1- and BRCA2-Associated Hereditary Breast and Ovarian Cancer; Breast and ovarian cancer; Hereditary breast and ovarian cancer; Hereditary breast and/or ovarian cancer syndrome. Identifiers: Orphanet 145, MedGen C0677776, MeSH D061325, MONDO:0003582. Disease mechanism: loss of function.
Breast and/or ovarian cancer. Identifiers: MedGen CN221562.
Breast-ovarian cancer, familial, susceptibility to, 1 (BROVCA1). Also called: OVARIAN CANCER, SUSCEPTIBILITY TO; BRCA1 Hereditary Breast and Ovarian Cancer. Identifiers: Orphanet 145, MedGen C2676676, MONDO:0011450, OMIM 604370. Disease mechanism: loss of function.
Hereditary cancer-predisposing syndrome. Also called: Hereditary Cancer Syndrome; Hereditary neoplastic syndrome; Tumor predisposition; Neoplastic Syndromes, Hereditary. Identifiers: Orphanet 140162, MedGen C0027672, MeSH D009386, MONDO:0015356.

Submissions (7):

Evidence-based Network for the Interpretation of Germline Mutant Alleles (ENIGMA)
Classification: Pathogenic for Breast-ovarian cancer, familial, susceptibility to, 1. Last evaluated: 2016-09-08. Review status: reviewed by expert panel. Criteria: ENIGMA BRCA1/2 Classification Criteria (2015). Collection method: curation. Allele origin: germline.
Comment: Variant allele predicted to encode a truncated non-functional protein.

Ambry Genetics
Classification: Pathogenic for Hereditary cancer-predisposing syndrome. Last evaluated: 2025-06-05. Review status: criteria provided, single submitter. Criteria: Ambry Variant Classification Scheme 2023. Collection method: clinical testing. Allele origin: germline. Not counted in ClinVar's aggregate classification.
Comment: The c.4386dupA pathogenic mutation, located in coding exon 12 of the BRCA1 gene, results from a duplication of A at nucleotide position 4386, causing a translational frameshift with a predicted alternate stop codon (p.Y1463Ifs*13). This variant is considered to be rare based on population cohorts in the Genome Aggregation Database (gnomAD). This alteration is expected to result in loss of function by premature protein truncation or nonsense-mediated mRNA decay. As such, this alteration is interpreted as a disease-causing mutation.

Labcorp Genetics (formerly Invitae), Labcorp
Classification: Pathogenic for Hereditary breast ovarian cancer syndrome. Last evaluated: 2025-04-08. Review status: criteria provided, single submitter. Criteria: Invitae Variant Classification Sherloc (09022015). Collection method: clinical testing. Allele origin: germline. Not counted in ClinVar's aggregate classification.
Comment: This sequence change creates a premature translational stop signal (p.Tyr1463Ilefs*13) in the BRCA1 gene. It is expected to result in an absent or disrupted protein product. Loss-of-function variants in BRCA1 are known to be pathogenic (PMID: 20104584). This variant is not present in population databases (gnomAD no frequency). This variant has not been reported in the literature in individuals affected with BRCA1-related conditions. ClinVar contains an entry for this variant (Variation ID: 188414). For these reasons, this variant has been classified as Pathogenic.

CHEO Genetics Diagnostic Laboratory, Children's Hospital of Eastern Ontario
Classification: Pathogenic for Breast and/or ovarian cancer. Last evaluated: 2023-06-02. Review status: criteria provided, single submitter. Criteria: ACMG Guidelines, 2015. Collection method: clinical testing. Allele origin: germline. Not counted in ClinVar's aggregate classification.

Baylor Genetics
Classification: Likely pathogenic for Breast-ovarian cancer, familial, susceptibility to, 1. Last evaluated: 2022-08-10. Review status: criteria provided, single submitter. Criteria: ACMG Guidelines, 2015. Collection method: clinical testing. Allele origin: unknown. Not counted in ClinVar's aggregate classification.

Women's Health and Genetics/Laboratory Corporation of America, LabCorp
Classification: Likely pathogenic for Hereditary breast ovarian cancer syndrome. Last evaluated: 2017-02-20. Review status: criteria provided, single submitter. Criteria: LabCorp Variant Classification Summary - May 2015. Collection method: clinical testing. Allele origin: germline. Not counted in ClinVar's aggregate classification.
Comment: Variant summary: The BRCA1 c.4386dupA (p.Tyr1463Ilefs) variant results in a premature termination codon, predicted to cause a truncated or absent BRCA1 protein due to nonsense mediated decay, which are commonly known mechanisms for disease. Truncations downstream of this position have been classified as pathogenic by our laboratory (e.g., c.4391delC [p.Pro1464fs). One in silico tool predicts a damaging outcome for this variant. This variant is absent in the large control population database ExAC (0/121374 control chromosomes). Another similar variant BRCA1 Tyr1463* is a known pathogenic. In addition, multiple clinical diagnostic laboratories/databases have classified this variant as pathogenic or likely pathogenic. Taken together, this variant is classified as likely pathogenic.

Quest Diagnostics Nichols Institute San Juan Capistrano
Classification: Pathogenic. Last evaluated: 2016-08-22. Review status: criteria provided, single submitter. Criteria: Quest Diagnostics criteria. Collection method: clinical testing. Allele origin: germline. Not counted in ClinVar's aggregate classification.

Literature cited by the submitters: PubMed 20104584 (cited by Labcorp Genetics (formerly Invitae), Labcorp).

NM_007294.4(BRCA1):c.4386dup (p.Tyr1463fs)

Gene: BRCA1 (BRCA1 DNA repair associated; minus strand). Cytogenetic location: 17q21.31.
Variant type: Duplication.
Coding change: c.4386dup on transcript NM_007294.4 (MANE Select); coding-DNA position 4386, one base duplicated (A; older notation c.4386dupA).
Protein change: p.Tyr1463fs; shifts the reading frame from tyrosine 1463.
Molecular consequence: frameshift variant. On other transcripts: non-coding transcript variant (1).
Genome position (GRCh38, 1-based): chr17:43,076,586, T duplicated on the plus strand (A on the coding strand, the reverse complement: BRCA1 is on the minus strand); the first of 2 consecutive T bases (chr17:43,076,586-43,076,587); duplicating either gives the same sequence. VCF-style (leftmost placement, unchanged base first): chr17-43076585-A-AT. GRCh37 (hg19) VCF-style: chr17-41228602-A-AT.
Other names: c.4386dupA (NM_007294.3); c.4172dup, p.Tyr1392Ilefs (NM_001407571.1, NM_001407894.1, NM_001407895.1 and 12 more transcripts); c.4451dup, p.Tyr1485Ilefs (NM_001407581.1, NM_001407582.1); c.4448dup, p.Tyr1484Ilefs (NM_001407583.1, NM_001407585.1, NM_001407587.1); c.4445dup, p.Tyr1483Ilefs (NM_001407590.1, NM_001407591.1); c.4385dup, p.Tyr1463Ilefs (NM_001407593.1, NM_001407594.1, NM_001407596.1 and 8 more transcripts); c.4382dup, p.Tyr1462Ilefs (NM_001407610.1, NM_001407611.1, NM_001407612.1 and 17 more transcripts); c.4379dup, p.Tyr1461Ilefs (NM_001407627.1, NM_001407628.1, NM_001407629.1 and 14 more transcripts); and 72 more; short protein forms Y359fs, Y1463fs, Y1484fs, Y1416fs.
Identifiers: ClinVar variation 188414 (VCV000188414.10), dbSNP rs786204267, ClinGen allele CA273823.